The following is an entry in ClinVar:

NM_006389.5(HYOU1):c.1421G>A (p.Gly474Glu)

Gene: HYOU1 (hypoxia up-regulated 1; minus strand). Cytogenetic location: 11q23.3.
Variant type: single nucleotide variant.
Coding change: c.1421G>A on transcript NM_006389.5 (MANE Select); coding-DNA position 1421, G replaced by A.
Protein change: p.Gly474Glu; replaces glycine 474 with glutamic acid.
Molecular consequence: missense variant.
Genome position (GRCh38, 1-based): chr11:119,051,543, C>T on the plus strand (G>A on the coding strand, the complement: HYOU1 is on the minus strand). VCF-style: chr11-119051543-C-T. GRCh37 (hg19) VCF-style: chr11-118922255-C-T.
Other names: c.1421G>A, p.Gly474Glu (NM_001130991.3, NM_001411041.1); short protein forms G474E.
Identifiers: ClinVar variation 3673544 (VCV003673544.2).

ClinVar aggregate classification (germline): Uncertain significance (1 of 4 stars; one submission).

Submission:

Labcorp Genetics (formerly Invitae), Labcorp
Classification: Uncertain significance. Last evaluated: 2024-11-25. Review status: criteria provided, single submitter. Criteria: Invitae Variant Classification Sherloc (09022015). Collection method: clinical testing. Allele origin: germline.
Comment: This sequence change replaces glycine, which is neutral and non-polar, with glutamic acid, which is acidic and polar, at codon 474 of the HYOU1 protein (p.Gly474Glu). This variant is not present in population databases (gnomAD no frequency). This variant has not been reported in the literature in individuals affected with HYOU1-related conditions. An algorithm developed to predict the effect of missense changes on protein structure and function (PolyPhen-2) suggests that this variant is likely to be tolerated. In summary, the available evidence is currently insufficient to determine the role of this variant in disease. Therefore, it has been classified as a Variant of Uncertain Significance.